The following is an entry in ClinVar:

ClinVar aggregate classification (germline): Uncertain significance. Review status: criteria provided, multiple submitters, no conflicts (2 of 4 stars). 2 submissions from 2 submitters: Uncertain significance (2). Last evaluated 2023-09-25.

Conditions:
Cardiovascular phenotype. Identifiers: MedGen CN230736.
Alstrom syndrome (ALMS). Identifiers: Orphanet 64, MedGen C0268425, MONDO:0008763, OMIM 203800.

Allele frequency attached by ClinVar (database versions not stated): gnomAD exomes below 0.00001.
gnomAD v4.1: 6 of 1,613,708 alleles (0.00037%); highest among the groups gnomAD compares: South Asian, 0.0011%; no homozygotes.

Submissions (2):

Ambry Genetics
Classification: Uncertain significance for Cardiovascular phenotype. Last evaluated: 2023-09-25. Review status: criteria provided, single submitter. Criteria: Ambry Variant Classification Scheme 2023. Collection method: clinical testing. Allele origin: germline.
Comment: The p.L244S variant (also known as c.731T>C), located in coding exon 4 of the ALMS1 gene, results from a T to C substitution at nucleotide position 731. The leucine at codon 244 is replaced by serine, an amino acid with dissimilar properties. This amino acid position is well conserved in available vertebrate species. In addition, the in silico prediction for this alteration is inconclusive. Since supporting evidence is limited at this time, the clinical significance of this alteration remains unclear.

Labcorp Genetics (formerly Invitae), Labcorp
Classification: Uncertain significance for Alstrom syndrome. Last evaluated: 2023-04-18. Review status: criteria provided, single submitter. Criteria: Invitae Variant Classification Sherloc (09022015). Collection method: clinical testing. Allele origin: germline.
Comment: This sequence change replaces leucine, which is neutral and non-polar, with serine, which is neutral and polar, at codon 244 of the ALMS1 protein (p.Leu244Ser). In summary, the available evidence is currently insufficient to determine the role of this variant in disease. Therefore, it has been classified as a Variant of Uncertain Significance. Experimental studies and prediction algorithms are not available or were not evaluated, and the functional significance of this variant is currently unknown. ClinVar contains an entry for this variant (Variation ID: 1426334). This variant has not been reported in the literature in individuals affected with ALMS1-related conditions. This variant is not present in population databases (gnomAD no frequency).

NM_001378454.1(ALMS1):c.728T>C (p.Leu243Ser)

Gene: ALMS1 (ALMS1 centrosome and basal body associated protein; plus strand). Cytogenetic location: 2p13.1.
Variant type: single nucleotide variant.
Coding change: c.728T>C on transcript NM_001378454.1 (MANE Select); coding-DNA position 728, T replaced by C.
Protein change: p.Leu243Ser; replaces leucine 243 with serine.
Molecular consequence: missense variant.
Genome position (GRCh38, 1-based): chr2:73,422,938, T>C. VCF-style: chr2-73422938-T-C. GRCh37 (hg19) VCF-style: chr2-73650066-T-C.
Other names: c.731T>C, p.Leu244Ser (NM_015120.4); short protein forms L243S, L244S.
Identifiers: ClinVar variation 1426334 (VCV001426334.5), dbSNP rs2103710678, ClinGen allele CA347260205.
Genomic context (GRCh38, chr2:73,422,938, plus strand): 5'-CTCCTGATTTGCCTTTGCTGACCTGTTTGACACAAGACCAAGAATTTGCGCCTGATTCTT[T>C]ATTTCATCAAAGTGAACTAAGTTTTGCACCTCTGAGGTAGGATGATTTATTTGCATGTAA-3'
Protein context (NP_001365383.1, residues 233-253): TQDQEFAPDS[Leu243Ser]FHQSELSFAP